The following is an entry in ClinVar:

ClinVar aggregate classification (germline): Uncertain significance (1 of 4 stars; one submission).

Allele frequency attached by ClinVar (database versions not stated): gnomAD exomes below 0.00001.
gnomAD v4.1: 5 of 1,613,864 alleles (0.00031%); highest among the groups gnomAD compares: Middle Eastern, 0.066%; no homozygotes.

Submission:

Labcorp Genetics (formerly Invitae), Labcorp
Classification: Uncertain significance. Last evaluated: 2022-10-12. Review status: criteria provided, single submitter. Criteria: Invitae Variant Classification Sherloc (09022015). Collection method: clinical testing. Allele origin: germline.
Comment: In summary, the available evidence is currently insufficient to determine the role of this variant in disease. Therefore, it has been classified as a Variant of Uncertain Significance. Algorithms developed to predict the effect of missense changes on protein structure and function are either unavailable or do not agree on the potential impact of this missense change (SIFT: "Tolerated"; PolyPhen-2: "Probably Damaging"; Align-GVGD: "Class C0"). This variant has not been reported in the literature in individuals affected with IMPG1-related conditions. This variant is not present in population databases (gnomAD no frequency). This sequence change replaces alanine, which is neutral and non-polar, with valine, which is neutral and non-polar, at codon 692 of the IMPG1 protein (p.Ala692Val).

NM_001563.4(IMPG1):c.2075C>T (p.Ala692Val)

Gene: IMPG1 (interphotoreceptor matrix proteoglycan 1; minus strand). Cytogenetic location: 6q14.1.
Variant type: single nucleotide variant.
Coding change: c.2075C>T on transcript NM_001563.4 (MANE Select); coding-DNA position 2075, C replaced by T.
Protein change: p.Ala692Val; replaces alanine 692 with valine.
Molecular consequence: missense variant.
Genome position (GRCh38, 1-based): chr6:75,931,121, G>A on the plus strand (C>T on the coding strand, the complement: IMPG1 is on the minus strand). VCF-style: chr6-75931121-G-A. GRCh37 (hg19) VCF-style: chr6-76640838-G-A.
Other names: c.1841C>T, p.Ala614Val (NM_001282368.2); short protein forms A614V, A692V.
Identifiers: ClinVar variation 2807026 (VCV002807026.3), dbSNP rs2535869972, ClinGen allele CA364770113.